The following is an entry in ClinVar:

ClinVar aggregate classification (germline): Uncertain significance (1 of 4 stars; one submission).

Conditions:
Cystic fibrosis (CF). Also called: MUCOVISCIDOSIS. Identifiers: Orphanet 586, MedGen C0010674, MONDO:0009061, OMIM 219700. Disease mechanism: loss of function.

Submission:

Ambry Genetics
Classification: Uncertain significance for Cystic fibrosis. Last evaluated: 2023-11-09. Review status: criteria provided, single submitter. Criteria: Ambry Variant Classification Scheme 2023. Collection method: clinical testing. Allele origin: germline.
Comment: The p.M284V variant (also known as c.850A>G), located in coding exon 7 of the CFTR gene, results from an A to G substitution at nucleotide position 850. The methionine at codon 284 is replaced by valine, an amino acid with highly similar properties. This amino acid position is conserved. In addition, this alteration is predicted to be tolerated by in silico analysis. Since supporting evidence is limited at this time, the clinical significance of this alteration remains unclear.

NM_000492.4(CFTR):c.850A>G (p.Met284Val)

Gene: CFTR (CF transmembrane conductance regulator; plus strand). Cytogenetic location: 7q31.2.
Variant type: single nucleotide variant.
Coding change: c.850A>G on transcript NM_000492.4 (MANE Select); coding-DNA position 850, A replaced by G.
Protein change: p.Met284Val; replaces methionine 284 with valine.
Molecular consequence: missense variant.
Genome position (GRCh38, 1-based): chr7:117,536,654, A>G. VCF-style: chr7-117536654-A-G. GRCh37 (hg19) VCF-style: chr7-117176708-A-G.
Other names: short protein forms M284V.
Identifiers: ClinVar variation 3231935 (VCV003231935.1), dbSNP rs2485020485, ClinGen allele CA368977549.